The following is an entry in ClinVar:

NM_032043.3(BRIP1):c.818T>A (p.Met273Lys)

Gene: BRIP1 (BRCA1 interacting DNA helicase 1; minus strand). Cytogenetic location: 17q23.2.
Variant type: single nucleotide variant.
Coding change: c.818T>A on transcript NM_032043.3 (MANE Select); coding-DNA position 818, T replaced by A.
Protein change: p.Met273Lys; replaces methionine 273 with lysine.
Molecular consequence: missense variant.
Genome position (GRCh38, 1-based): chr17:61,808,567, A>T on the plus strand (T>A on the coding strand, the complement: BRIP1 is on the minus strand). VCF-style: chr17-61808567-A-T. GRCh37 (hg19) VCF-style: chr17-59885928-A-T.
Other names: short protein forms M273K.
Identifiers: ClinVar variation 1762349 (VCV001762349.2), dbSNP rs2145415249, ClinGen allele CA400484853.

ClinVar aggregate classification (germline): Uncertain significance (1 of 4 stars; one submission).

Conditions:
Hereditary cancer-predisposing syndrome. Also called: Neoplastic Syndromes, Hereditary; Tumor predisposition; Hereditary Cancer Syndrome; Hereditary neoplastic syndrome. Identifiers: Orphanet 140162, MedGen C0027672, MeSH D009386, MONDO:0015356.

Submission:

Ambry Genetics
Classification: Uncertain significance for Hereditary cancer-predisposing syndrome. Last evaluated: 2020-01-07. Review status: criteria provided, single submitter. Criteria: Ambry Variant Classification Scheme 2023. Collection method: clinical testing. Allele origin: germline.
Comment: The p.M273K variant (also known as c.818T>A), located in coding exon 6 of the BRIP1 gene, results from a T to A substitution at nucleotide position 818. The methionine at codon 273 is replaced by lysine, an amino acid with similar properties. This amino acid position is highly conserved in available vertebrate species. In addition, this alteration is predicted to be deleterious by in silico analysis. Since supporting evidence is limited at this time, the clinical significance of this alteration remains unclear.